The following is an entry in ClinVar:

ClinVar aggregate classification (germline): Pathogenic (1 of 4 stars; one submission).

Conditions:
Cardiomyopathy, familial hypertrophic 27. Identifiers: MedGen C4748014, MONDO:0054838, OMIM 618052.

Submission:

ARUP Laboratories, Molecular Genetics and Genomics, ARUP Laboratories
Classification: Pathogenic for Cardiomyopathy, familial hypertrophic 27. Last evaluated: 2025-06-02. Review status: criteria provided, single submitter. Criteria: ARUP Molecular Germline Variant Investigation Process 2024. Collection method: clinical testing. Allele origin: germline.
Comment: The ALPK3 c.1445_1446del; p.Arg482IlefsTer13 variant, also known as c.2051_2052del; p. Arg684IlefsTer13 for NM_020778.4, to our knowledge, is not reported in the medical literature or gene specific databases. This variant is also absent from the Genome Aggregation Database (v2.1.1), indicating it is not a common polymorphism. This variant causes a frameshift by deleting two nucleotides, so it is predicted to result in a truncated protein or mRNA subject to nonsense-mediated decay. Based on available information, this variant is considered to be pathogenic.

NM_020778.5(ALPK3):c.1445_1446del (p.Arg482fs)

Gene: ALPK3 (alpha kinase 3; plus strand). Cytogenetic location: 15q25.3.
Variant type: Microsatellite.
Coding change: c.1445_1446del on transcript NM_020778.5 (MANE Select); coding-DNA positions 1445 to 1446, 2 bases deleted (GA; older notation c.1445_1446delGA).
Protein change: p.Arg482fs; shifts the reading frame from arginine 482.
Molecular consequence: frameshift variant.
Genome position (GRCh38, 1-based): chr15:84,840,724-84,840,725, GA deleted; deleting any 2 consecutive bases within chr15:84,840,721-84,840,725 gives the same sequence; the c. name uses the placement nearest the transcript's 3' end. VCF-style (leftmost placement, unchanged base first): chr15-84840720-AAG-A. GRCh37 (hg19) VCF-style: chr15-85383951-AAG-A.
Other names: short protein forms R482fs.
Identifiers: ClinVar variation 4685857 (VCV004685857.1).